The following is an entry in ClinVar:

ClinVar aggregate classification (germline): Pathogenic/Likely pathogenic. Review status: criteria provided, multiple submitters, no conflicts (2 of 4 stars). 4 submissions from 3 submitters: Pathogenic (1); Likely pathogenic (3). Last evaluated 2022-07-10.

Conditions:
Marfanoid habitus and intellectual disability. Identifiers: MedGen CN263130.
Sotos syndrome (SOTOS). Also called: CEREBRAL GIGANTISM; Sotos' syndrome; Distinctive facial appearance, overgrowth in childhood, and learning disabilities or delayed development; CHROMOSOME 5q35 DELETION SYNDROME; SOTOS SYNDROME 1. Identifiers: Orphanet 821, MedGen C0175695, MONDO:0019349, OMIM 117550.

Submissions (4):

Labcorp Genetics (formerly Invitae), Labcorp
Classification: Pathogenic. Last evaluated: 2022-07-10. Review status: criteria provided, single submitter. Criteria: Invitae Variant Classification Sherloc (09022015). Collection method: clinical testing. Allele origin: germline.
Comment: This missense change has been observed in individual(s) with clinical features of Sotos syndrome (PMID: 32277047). In at least one individual the variant was observed to be de novo. For these reasons, this variant has been classified as Pathogenic. Advanced modeling of protein sequence and biophysical properties (such as structural, functional, and spatial information, amino acid conservation, physicochemical variation, residue mobility, and thermodynamic stability) performed at Invitae indicates that this missense variant is expected to disrupt NSD1 protein function. ClinVar contains an entry for this variant (Variation ID: 436065). This variant is not present in population databases (gnomAD no frequency). This sequence change replaces isoleucine, which is neutral and non-polar, with threonine, which is neutral and polar, at codon 2007 of the NSD1 protein (p.Ile2007Thr).

Genetic Services Laboratory, University of Chicago
Classification: Likely pathogenic for Sotos syndrome 1. Last evaluated: 2017-01-19. Review status: criteria provided, single submitter. Criteria: ACMG Guidelines, 2015. Collection method: clinical testing. Allele origin: germline. Affected: yes.

Equipe Genetique des Anomalies du Developpement, Université de Bourgogne
Classification: Likely pathogenic for Sotos syndrome. Last evaluated: 2016-08-03. Review status: criteria provided, single submitter. Criteria: ACMG Guidelines, 2015. Collection method: clinical testing. Allele origin: de novo. Affected: yes. Study: Clinvar_gadteam_Clinical_exome_analysis_3.

Equipe Genetique des Anomalies du Developpement, Université de Bourgogne
Classification: Likely pathogenic for Marfanoid habitus and intellectual disability. Review status: criteria provided, single submitter. Criteria: ACMG Guidelines, 2015. Collection method: research. Allele origin: de novo. Affected: yes.

Literature cited by the submitters: PubMed 32277047 (cited by Labcorp Genetics (formerly Invitae), Labcorp).

NM_022455.5(NSD1):c.6020T>C (p.Ile2007Thr)

Gene: NSD1 (nuclear receptor binding SET domain protein 1; plus strand). Cytogenetic location: 5q35.3.
Variant type: single nucleotide variant.
Coding change: c.6020T>C on transcript NM_022455.5 (MANE Select); coding-DNA position 6020, T replaced by C.
Protein change: p.Ile2007Thr; replaces isoleucine 2007 with threonine.
Molecular consequence: missense variant.
Genome position (GRCh38, 1-based): chr5:177,283,797, T>C. VCF-style: chr5-177283797-T-C. GRCh37 (hg19) VCF-style: chr5-176710798-T-C.
Other names: c.5147T>C, p.Ile1716Thr (NM_001365684.2, NM_001409308.1, NM_172349.5); c.6020T>C, p.Ile2007Thr (NM_001409301.1, NM_001409302.1, NM_001409303.1); c.5600T>C, p.Ile1867Thr (NM_001409304.1); c.5267T>C, p.Ile1756Thr (NM_001409305.1); c.5258T>C, p.Ile1753Thr (NM_001409306.1, NM_001409307.1); short protein forms I2007T, I1738T, I1753T, I1867T, I1716T, I1756T.
Identifiers: ClinVar variation 436065 (VCV000436065.12), dbSNP rs1554204921, ClinGen allele CA362316142.